The following is an entry in ClinVar:

NM_203387.3(RNH1):c.981C>T (p.Ala327=)

Gene: RNH1 (ribonuclease/angiogenin inhibitor 1; minus strand). Cytogenetic location: 11p15.5.
Variant type: single nucleotide variant.
Coding change: c.981C>T on transcript NM_203387.3 (MANE Select); coding-DNA position 981, C replaced by T.
Protein change: p.Ala327=; no amino-acid change (alanine 327 retained).
Molecular consequence: synonymous variant.
Genome position (GRCh38, 1-based): chr11:498,117, G>A on the plus strand (C>T on the coding strand, the complement: RNH1 is on the minus strand). VCF-style: chr11-498117-G-A. GRCh37 (hg19) VCF-style: chr11-498117-G-A.
Other names: c.981C>T, p.Ala327= (NM_002939.4, NM_203383.2, NM_203384.2 and 4 more transcripts).
Identifiers: ClinVar variation 2641053 (VCV002641053.24), dbSNP rs148207047, ClinGen allele CA5778718.

ClinVar aggregate classification (germline): Likely benign (1 of 4 stars; one submission).

Allele frequency attached by ClinVar (database versions not stated): ESP Exome Variant Server 0.00008; 1000 Genomes Project 0.00080; 1000 Genomes Project 30x 0.00109.

Submission:

CeGaT Center for Human Genetics Tuebingen
Classification: Likely benign. Last evaluated: 2026-01-01. Review status: criteria provided, single submitter. Criteria: CeGaT Center For Human Genetics Tuebingen Variant Classification Criteria Version 2. Collection method: clinical testing. Allele origin: germline. Affected: yes. Observed: 2 variant alleles.
Comment: RNH1: BP4, BP7